The following is an entry in ClinVar:

NM_012120.3(CD2AP):c.730-7A>G

Gene: CD2AP (CD2 associated protein; plus strand). Cytogenetic location: 6p12.3.
Variant type: single nucleotide variant.
Coding change: c.730-7A>G on transcript NM_012120.3 (MANE Select); 7 bases into the intron before coding-DNA position 730, A replaced by G.
Molecular consequence: intron variant.
Genome position (GRCh38, 1-based): chr6:47,576,517, A>G. VCF-style: chr6-47576517-A-G. GRCh37 (hg19) VCF-style: chr6-47544253-A-G.
Identifiers: ClinVar variation 908589 (VCV000908589.12), dbSNP rs368514132, ClinGen allele CA3844081.

ClinVar aggregate classification (germline): Likely benign. Review status: criteria provided, multiple submitters, no conflicts (2 of 4 stars). 3 submissions from 3 submitters: Likely benign (3). Last evaluated 2025-05-05.

Conditions:
Focal segmental glomerulosclerosis 3, susceptibility to (FSGS3). Identifiers: Orphanet 656, MedGen C1842982, MONDO:0011917, OMIM 607832.

Allele frequency attached by ClinVar (database versions not stated): gnomAD exomes 0.00007; ExAC 0.00009; gnomAD 0.00009; TOPMed 0.00013; ESP Exome Variant Server 0.00038.
gnomAD v4.1: 186 of 1,593,112 alleles (0.012%); highest among the groups gnomAD compares: Non-Finnish European, 0.015%; no homozygotes.

Submissions (3):

Labcorp Genetics (formerly Invitae), Labcorp
Classification: Likely benign. Last evaluated: 2025-05-05. Review status: criteria provided, single submitter. Criteria: Invitae Variant Classification Sherloc (09022015). Collection method: clinical testing. Allele origin: germline.

Fulgent Genetics
Classification: Likely benign for Focal segmental glomerulosclerosis 3, susceptibility to. Last evaluated: 2022-02-08. Review status: criteria provided, single submitter. Criteria: ACMG Guidelines, 2015. Collection method: clinical testing. Allele origin: unknown.

Illumina Laboratory Services, Illumina
Classification: Likely benign for Focal segmental glomerulosclerosis 3, susceptibility to. Last evaluated: 2018-01-13. Review status: criteria provided, single submitter. Criteria: ICSL Variant Classification Criteria 13 December 2019. Collection method: clinical testing. Allele origin: germline.
Comment: This variant was observed in the ICSL laboratory as part of a predisposition screen in an ostensibly healthy population. It had not been previously curated by ICSL or reported in the Human Gene Mutation Database (HGMD: prior to June 1st, 2018), and was therefore a candidate for classification through an automated scoring system. Utilizing variant allele frequency, disease prevalence and penetrance estimates, and inheritance mode, an automated score was calculated to assess if this variant is too frequent to cause the disease. Based on the score and internal cut-off values, a variant classified as likely benign is not then subjected to further curation. The score for this variant resulted in a classification of likely benign for this disease.